The following is an entry in ClinVar:

ClinVar aggregate classification (germline): Uncertain significance (1 of 4 stars; one submission).

Conditions:
Short-rib thoracic dysplasia 13 with or without polydactyly (SRTD13). Identifiers: Orphanet 474, MedGen C4225378, MONDO:0014577, OMIM 616300.

gnomAD v4.1: 2 of 1,613,058 alleles (0.00012%); highest among the groups gnomAD compares: Non-Finnish European, 0.00017%; no homozygotes.

Submission:

Labcorp Genetics (formerly Invitae), Labcorp
Classification: Uncertain significance for Short-rib thoracic dysplasia 13 with or without polydactyly. Last evaluated: 2025-07-28. Review status: criteria provided, single submitter. Criteria: Invitae Variant Classification Sherloc (09022015). Collection method: clinical testing. Allele origin: germline.
Comment: This sequence change replaces lysine, which is basic and polar, with glutamic acid, which is acidic and polar, at codon 537 of the CEP120 protein (p.Lys537Glu). This variant is not present in population databases (gnomAD no frequency). This variant has not been reported in the literature in individuals affected with CEP120-related conditions. Invitae Evidence Modeling of protein sequence and biophysical properties (such as structural, functional, and spatial information, amino acid conservation, physicochemical variation, residue mobility, and thermodynamic stability) indicates that this missense variant is expected to disrupt CEP120 protein function with a positive predictive value of 80%. In summary, the available evidence is currently insufficient to determine the role of this variant in disease. Therefore, it has been classified as a Variant of Uncertain Significance.

NM_001375405.1(CEP120):c.1609A>G (p.Lys537Glu)

Gene: CEP120 (centrosomal protein 120; minus strand). Cytogenetic location: 5q23.2.
Variant type: single nucleotide variant.
Coding change: c.1609A>G on transcript NM_001375405.1 (MANE Select); coding-DNA position 1609, A replaced by G.
Protein change: p.Lys537Glu; replaces lysine 537 with glutamic acid.
Molecular consequence: missense variant. On other transcripts: non-coding transcript variant (1).
Genome position (GRCh38, 1-based): chr5:123,385,105, T>C on the plus strand (A>G on the coding strand, the complement: CEP120 is on the minus strand). VCF-style: chr5-123385105-T-C. GRCh37 (hg19) VCF-style: chr5-122720799-T-C.
Other names: c.1531A>G, p.Lys511Glu (NM_001166226.2); c.1474A>G, p.Lys492Glu (NM_001375406.1); c.1609A>G, p.Lys537Glu (NM_001375407.1, NM_153223.4); c.1036A>G, p.Lys346Glu (NM_001375408.1, NM_001375409.1); short protein forms K511E, K346E, K492E, K537E.
Identifiers: ClinVar variation 4765013 (VCV004765013.1).